The following is an entry in ClinVar:

NM_000214.3(JAG1):c.127C>G (p.Gln43Glu)

Gene: JAG1 (jagged canonical Notch ligand 1; minus strand). Cytogenetic location: 20p12.2.
Variant type: single nucleotide variant.
Coding change: c.127C>G on transcript NM_000214.3 (MANE Select); coding-DNA position 127, C replaced by G.
Protein change: p.Gln43Glu; replaces glutamine 43 with glutamic acid.
Molecular consequence: missense variant.
Genome position (GRCh38, 1-based): chr20:10,672,961, G>C on the plus strand (C>G on the coding strand, the complement: JAG1 is on the minus strand). VCF-style: chr20-10672961-G-C. GRCh37 (hg19) VCF-style: chr20-10653609-G-C.
Other names: short protein forms Q43E.
Identifiers: ClinVar variation 3531191 (VCV003531191.3).

ClinVar aggregate classification (germline): Uncertain significance (1 of 4 stars; one submission).

Conditions:
Cardiovascular phenotype. Identifiers: MedGen CN230736.

gnomAD v4.1: 1 of 1,612,346 alleles (0.000062%); highest among the groups gnomAD compares: Admixed American, 0.0017%; no homozygotes.

Submissions (2):

Ambry Genetics
Classification: Uncertain significance for Cardiovascular phenotype. Last evaluated: 2024-10-22. Review status: criteria provided, single submitter. Criteria: Ambry Variant Classification Scheme 2023. Collection method: clinical testing. Allele origin: germline.
Comment: The p.Q43E variant (also known as c.127C>G), located in coding exon 2 of the JAG1 gene, results from a C to G substitution at nucleotide position 127. The glutamine at codon 43 is replaced by glutamic acid, an amino acid with highly similar properties. This amino acid position is conserved. In addition, the in silico prediction for this alteration is inconclusive. Based on the available evidence, the clinical significance of this variant remains unclear.

Gilbert/Spinner Lab, Children's Hospital of Philadelphia
No classification provided (evidence only). Condition: Alagille syndrome. Review status: no classification provided. Collection method: research. Allele origin: not applicable. Functional consequence: functionally_abnormal. Not counted in ClinVar's aggregate classification.
ClinVar note: "not provided" was previously submitted as the classification for the variant. However, the classification appeared to be based only on an observation of functional data so it was converted to no classification on 2025-07-30.